The following is an entry in ClinVar:

ClinVar aggregate classification (germline): Likely benign. Review status: criteria provided, multiple submitters, no conflicts (2 of 4 stars). 5 submissions from 5 submitters: Likely benign (5). Last evaluated 2026-07-14.

Conditions:
ADGRV1-related disorder. Also called: ADGRV1-related condition; ADGRV1-related disorders.
Inborn genetic diseases. Identifiers: MedGen C0950123, MeSH D030342.

Allele frequency attached by ClinVar (database versions not stated): TOPMed 0.00002; 1000 Genomes Project 30x 0.00031.
gnomAD v4.1: 73 of 1,595,104 alleles (0.0046%); highest among the groups gnomAD compares: South Asian, 0.045%; no homozygotes.

Submissions (5):

PreventionGenetics, part of Exact Sciences
Classification: Likely benign for ADGRV1-related condition. Last evaluated: 2026-07-14. Review status: criteria provided, single submitter. Criteria: ACMG Guidelines, 2015. Collection method: clinical testing. Allele origin: germline.
Comment: This variant is classified as likely benign based on ACMG/AMP sequence variant interpretation guidelines (Richards et al. 2015 PMID: 25741868, with internal and published modifications).

Labcorp Genetics (formerly Invitae), Labcorp
Classification: Likely benign. Last evaluated: 2026-01-17. Review status: criteria provided, single submitter. Criteria: Invitae Variant Classification Sherloc (09022015). Collection method: clinical testing. Allele origin: germline.

Ambry Genetics
Classification: Likely benign for Inborn genetic diseases. Last evaluated: 2024-12-11. Review status: criteria provided, single submitter. Criteria: Ambry Variant Classification Scheme 2023. Collection method: clinical testing. Allele origin: germline.

Blueprint Genetics
Classification: Likely benign. Last evaluated: 2024-03-29. Review status: criteria provided, single submitter. Criteria: ACMG Guidelines, 2015. Collection method: clinical testing. Allele origin: germline.

Laboratory for Molecular Medicine, Mass General Brigham Personalized Medicine
Classification: Likely benign. Last evaluated: 2015-07-30. Review status: criteria provided, single submitter. Criteria: LMM Criteria. Collection method: clinical testing. Allele origin: germline. Observed: 1 variant allele.
Comment: p.Ser2392Ser in exon 33 of GPR98: This variant is not expected to have clinical significance because it does not alter an amino acid residue and is not located within the splice consensus sequence. It has been identified in 7/8860 South Asi an chromosomes and 7/59014 European chromosomes by the Exome Aggregation Consort ium (ExAC).

NM_032119.4(ADGRV1):c.7176C>G (p.Ser2392=)

Gene: ADGRV1 (adhesion G protein-coupled receptor V1; plus strand). Cytogenetic location: 5q14.3.
Variant type: single nucleotide variant.
Coding change: c.7176C>G on transcript NM_032119.4 (MANE Select); coding-DNA position 7176, C replaced by G.
Protein change: p.Ser2392=; no amino-acid change (serine 2392 retained).
Molecular consequence: synonymous variant. On other transcripts: non-coding transcript variant (1).
Genome position (GRCh38, 1-based): chr5:90,693,932, C>G. VCF-style: chr5-90693932-C-G. GRCh37 (hg19) VCF-style: chr5-89989749-C-G.
Identifiers: ClinVar variation 227411 (VCV000227411.16), dbSNP rs111033452, ClinGen allele CA3339991.